The following is an entry in ClinVar:

NM_015459.5(ATL3):c.1382C>G (p.Thr461Ser)

Genes: ATL3 (atlastin GTPase 3; minus strand), LNCROPM (lncRNA regulator of PLAAT3 mediated phospholipid metabolism; plus strand). Cytogenetic location: 11q13.1.
Variant type: single nucleotide variant.
Coding change: c.1382C>G on transcript NM_015459.5 (MANE Select); coding-DNA position 1382, C replaced by G.
Protein change: p.Thr461Ser; replaces threonine 461 with serine.
Molecular consequence: missense variant.
Genome position (GRCh38, 1-based): chr11:63,631,197, G>C on the plus strand (C>G on the coding strand, the complement: ATL3 is on the minus strand). VCF-style: chr11-63631197-G-C. GRCh37 (hg19) VCF-style: chr11-63398669-G-C.
Other names: c.1328C>G, p.Thr443Ser (NM_001290048.2); short protein forms T443S, T461S.
Identifiers: ClinVar variation 2977040 (VCV002977040.3), dbSNP rs747719105, ClinGen allele CA381025062.

ClinVar aggregate classification (germline): Uncertain significance (1 of 4 stars; one submission).

Conditions:
Neuropathy, hereditary sensory, type 1F. Also called: HSN IF; Hereditary sensory neuropathy type IF. Identifiers: Orphanet 36386, MedGen C3810194, MONDO:0014286, OMIM 615632.

gnomAD v4.1: 3 of 1,614,112 alleles (0.00019%); highest among the groups gnomAD compares: South Asian, 0.0011%; no homozygotes.

Submission:

Labcorp Genetics (formerly Invitae), Labcorp
Classification: Uncertain significance for Neuropathy, hereditary sensory, type 1F. Last evaluated: 2022-11-14. Review status: criteria provided, single submitter. Criteria: Invitae Variant Classification Sherloc (09022015). Collection method: clinical testing. Allele origin: germline.
Comment: This variant is not present in population databases (gnomAD no frequency). This variant has not been reported in the literature in individuals affected with ATL3-related conditions. Advanced modeling of protein sequence and biophysical properties (such as structural, functional, and spatial information, amino acid conservation, physicochemical variation, residue mobility, and thermodynamic stability) performed at Invitae indicates that this missense variant is not expected to disrupt ATL3 protein function. In summary, the available evidence is currently insufficient to determine the role of this variant in disease. Therefore, it has been classified as a Variant of Uncertain Significance. This sequence change replaces threonine, which is neutral and polar, with serine, which is neutral and polar, at codon 461 of the ATL3 protein (p.Thr461Ser).